The following is an entry in ClinVar:

ClinVar aggregate classification (germline): Uncertain significance (1 of 4 stars; one submission).

Conditions:
Symmetrical dyschromatosis of extremities (DSH). Also called: RETICULATE ACROPIGMENTATION OF DOHI; SYMMETRIC DYSCHROMATOSIS OF THE EXTREMITIES; DYSCHROMATOSIS SYMMETRICA HEREDITARIA 1; Dyschromatosis symmetrica hereditaria. Identifiers: Orphanet 41, MedGen C0406775, MONDO:0007483, OMIM 127400.
Aicardi-Goutieres syndrome 6 (AGS6). Identifiers: Orphanet 51, MedGen C3539013, MONDO:0014007, OMIM 615010.

Submission:

Labcorp Genetics (formerly Invitae), Labcorp
Classification: Uncertain significance for Aicardi-Goutieres syndrome 6; Symmetrical dyschromatosis of extremities. Last evaluated: 2023-04-22. Review status: criteria provided, single submitter. Criteria: Invitae Variant Classification Sherloc (09022015). Collection method: clinical testing. Allele origin: germline.
Comment: The frequency data for this variant in the population databases is considered unreliable, as metrics indicate poor data quality at this position in the gnomAD database. In summary, the available evidence is currently insufficient to determine the role of this variant in disease. Therefore, it has been classified as a Variant of Uncertain Significance. Experimental studies and prediction algorithms are not available or were not evaluated, and the functional significance of this variant is currently unknown. This variant has not been reported in the literature in individuals affected with ADAR-related conditions. This sequence change replaces glycine, which is neutral and non-polar, with alanine, which is neutral and non-polar, at codon 100 of the ADAR protein (p.Gly100Ala).

NM_001111.5(ADAR):c.298_299delinsGC (p.Arg100Ala)

Gene: ADAR (adenosine deaminase RNA specific; minus strand). Cytogenetic location: 1q21.3.
Variant type: Indel.
Coding change: c.298_299delinsGC on transcript NM_001111.5 (MANE Select); coding-DNA positions 298 to 299, AG replaced by GC.
Protein change: p.Arg100Ala; replaces arginine 100 with alanine.
Molecular consequence: missense variant. On other transcripts: 5 prime UTR variant (3), intron variant (3).
Genome position (GRCh38, 1-based): chr1:154,602,343-154,602,344, CT replaced by GC on the plus strand (AG replaced by GC on the coding strand, the reverse complement: ADAR is on the minus strand). VCF-style: chr1-154602343-CT-GC. GRCh37 (hg19) VCF-style: chr1-154574819-CT-GC.
Other names: c.-588_-587delinsGC (NM_001025107.3, NM_001193495.2, NM_001365048.1); c.325_326delinsGC, p.Arg109Ala (NM_001365045.1); c.298_299delinsGC, p.Arg100Ala (NM_015840.4, NM_015841.4); c.-493+41_-493+42delinsGC (NM_001365046.1, NM_001365049.1, NM_001365047.1); short protein forms R109A, R100A.
Identifiers: ClinVar variation 2947008 (VCV002947008.3), dbSNP rs2526668652, ClinGen allele CA2740090369.